The following is an entry in ClinVar:

NC_000023.10:g.(?_31366653)_(31382270_?)dup

Gene: DMD (dystrophin; minus strand). Cytogenetic location: Xp21.2.
Variant type: Duplication.
Identifiers: ClinVar variation 584234 (VCV000584234.1).

ClinVar aggregate classification (germline): Likely pathogenic (1 of 4 stars; one submission).

Conditions:
Duchenne muscular dystrophy (DMD). Also called: MUSCULAR DYSTROPHY, PSEUDOHYPERTROPHIC PROGRESSIVE, DUCHENNE TYPE; Duchenne Muscular Dystrophy (DMD). Identifiers: Orphanet 98896, MedGen C0013264, MONDO:0010679, OMIM 310200.

Submission:

Labcorp Genetics (formerly Invitae), Labcorp
Classification: Likely pathogenic for Duchenne muscular dystrophy. Last evaluated: 2018-06-05. Review status: criteria provided, single submitter. Criteria: Invitae Variant Classification Sherloc (09022015). Collection method: clinical testing. Allele origin: germline.
Comment: This variant results in a copy number gain of the genomic region encompassing exon 61 of the DMD gene. While the exact position of this variant cannot be determined from this data, sub-genic copy number gains are generally in tandem (PMID: 25640679) and may result in an absent or disrupted protein product. A similar copy number gain of exon 61 has been observed in an individual affected with Duchenne muscular dystrophy (PMID: 15723292, 16917894). Loss-of-function variants in DMD are known to be pathogenic (PMID: 16770791, 25007885). In summary, the currently available evidence indicates that the variant is pathogenic, but additional data are needed to prove that conclusively. Therefore, this variant has been classified as Likely Pathogenic.

Literature cited by the submitters: PubMed 16917894; PubMed 15723292.